The following is an entry in ClinVar:

NM_007227.3(GPR45):c.175G>A (p.Val59Met)

Gene: GPR45 (G protein-coupled receptor 45; plus strand). Cytogenetic location: 2q12.1.
Variant type: single nucleotide variant.
Coding change: c.175G>A on transcript NM_007227.3 (MANE Select); coding-DNA position 175, G replaced by A.
Protein change: p.Val59Met; replaces valine 59 with methionine.
Molecular consequence: missense variant.
Genome position (GRCh38, 1-based): chr2:105,242,033, G>A. VCF-style: chr2-105242033-G-A. GRCh37 (hg19) VCF-style: chr2-105858490-G-A.
Other names: short protein forms V59M.
Identifiers: ClinVar variation 4697219 (VCV004697219.1).

ClinVar aggregate classification (germline): Uncertain significance (1 of 4 stars; one submission).

Submission:

Labcorp Genetics (formerly Invitae), Labcorp
Classification: Uncertain significance. Last evaluated: 2025-03-25. Review status: criteria provided, single submitter. Criteria: Invitae Variant Classification Sherloc (09022015). Collection method: clinical testing. Allele origin: germline.
Comment: This sequence change replaces valine, which is neutral and non-polar, with methionine, which is neutral and non-polar, at codon 59 of the GPR45 protein (p.Val59Met). This variant is not present in population databases (gnomAD no frequency). This variant has not been reported in the literature in individuals affected with GPR45-related conditions. An algorithm developed to predict the effect of missense changes on protein structure and function (PolyPhen-2) suggests that this variant is likely to be disruptive. In summary, the available evidence is currently insufficient to determine the role of this variant in disease. Therefore, it has been classified as a Variant of Uncertain Significance.